The following is an entry in ClinVar:

ClinVar aggregate classification (germline): Uncertain significance. Review status: criteria provided, multiple submitters, no conflicts (2 of 4 stars). 2 submissions from 2 submitters: Uncertain significance (2). Last evaluated 2025-10-06.

Conditions:
Inborn genetic diseases. Identifiers: MedGen C0950123, MeSH D030342.

Allele frequency attached by ClinVar (database versions not stated): gnomAD 0.00001; TOPMed 0.00002; gnomAD exomes 0.00003; ExAC 0.00007.
gnomAD v4.1: 44 of 1,613,426 alleles (0.0027%); highest among the groups gnomAD compares: Non-Finnish European, 0.0029%; no homozygotes.

Submissions (2):

Ambry Genetics
Classification: Uncertain significance for Inborn genetic diseases. Last evaluated: 2025-10-06. Review status: criteria provided, single submitter. Criteria: Ambry Variant Classification Scheme 2023. Collection method: clinical testing. Allele origin: germline.

Labcorp Genetics (formerly Invitae), Labcorp
Classification: Uncertain significance. Last evaluated: 2024-09-23. Review status: criteria provided, single submitter. Criteria: Invitae Variant Classification Sherloc (09022015). Collection method: clinical testing. Allele origin: germline.
Comment: This sequence change replaces arginine, which is basic and polar, with histidine, which is basic and polar, at codon 334 of the CCDC88C protein (p.Arg334His). This variant is present in population databases (rs777402906, gnomAD 0.02%). This variant has not been reported in the literature in individuals affected with CCDC88C-related conditions. ClinVar contains an entry for this variant (Variation ID: 2599500). An algorithm developed to predict the effect of missense changes on protein structure and function (PolyPhen-2) suggests that this variant is likely to be disruptive. In summary, the available evidence is currently insufficient to determine the role of this variant in disease. Therefore, it has been classified as a Variant of Uncertain Significance.

NM_001080414.4(CCDC88C):c.1001G>A (p.Arg334His)

Gene: CCDC88C (coiled-coil and HOOK domain protein 88C; minus strand). Cytogenetic location: 14q32.11.
Variant type: single nucleotide variant.
Coding change: c.1001G>A on transcript NM_001080414.4 (MANE Select); coding-DNA position 1001, G replaced by A.
Protein change: p.Arg334His; replaces arginine 334 with histidine.
Molecular consequence: missense variant.
Genome position (GRCh38, 1-based): chr14:91,338,054, C>T on the plus strand (G>A on the coding strand, the complement: CCDC88C is on the minus strand). VCF-style: chr14-91338054-C-T. GRCh37 (hg19) VCF-style: chr14-91804398-C-T.
Other names: short protein forms R334H.
Identifiers: ClinVar variation 2599500 (VCV002599500.5), dbSNP rs777402906, ClinGen allele CA7310030.